The following is an entry in ClinVar:

NM_001376.5(DYNC1H1):c.3979C>G (p.Gln1327Glu)

Gene: DYNC1H1 (dynein cytoplasmic 1 heavy chain 1; plus strand). Cytogenetic location: 14q32.31.
Variant type: single nucleotide variant.
Coding change: c.3979C>G on transcript NM_001376.5 (MANE Select); coding-DNA position 3979, C replaced by G.
Protein change: p.Gln1327Glu; replaces glutamine 1327 with glutamic acid.
Molecular consequence: missense variant.
Genome position (GRCh38, 1-based): chr14:102,000,304, C>G. VCF-style: chr14-102000304-C-G. GRCh37 (hg19) VCF-style: chr14-102466641-C-G.
Other names: short protein forms Q1327E.
Identifiers: ClinVar variation 3615640 (VCV003615640.3).

ClinVar aggregate classification (germline): Uncertain significance. Review status: criteria provided, multiple submitters, no conflicts (2 of 4 stars). 2 submissions from 2 submitters: Uncertain significance (2). Last evaluated 2025-06-09.

Conditions:
Charcot-Marie-Tooth disease axonal type 2O. Also called: CHARCOT-MARIE-TOOTH NEUROPATHY, AXONAL, TYPE 2O; CHARCOT-MARIE-TOOTH DISEASE, AXONAL, AUTOSOMAL DOMINANT, TYPE 2O; Charcot-Marie-Tooth Neuropathy Type 2O; Charcot-Marie-Tooth disease, axonal, type 20. Identifiers: Orphanet 284232, MedGen C3280220, MONDO:0013644, OMIM 614228.

gnomAD v4.1: 3 of 1,614,054 alleles (0.00019%); highest among the groups gnomAD compares: African/African-American, 0.004%; no homozygotes.

Submissions (2):

GeneDx
Classification: Uncertain significance. Last evaluated: 2025-06-09. Review status: criteria provided, single submitter. Criteria: GeneDx Variant Classification Process June 2021. Collection method: clinical testing. Allele origin: germline. Affected: yes.
Comment: In silico analysis suggests that this missense variant does not alter protein structure/function; Has not been previously published as pathogenic or benign to our knowledge; This variant is associated with the following publications: (PMID: 25512093, 25609763, 26100331)

Labcorp Genetics (formerly Invitae), Labcorp
Classification: Uncertain significance for Charcot-Marie-Tooth disease axonal type 2O. Last evaluated: 2024-02-19. Review status: criteria provided, single submitter. Criteria: Invitae Variant Classification Sherloc (09022015). Collection method: clinical testing. Allele origin: germline.
Comment: This sequence change replaces glutamine, which is neutral and polar, with glutamic acid, which is acidic and polar, at codon 1327 of the DYNC1H1 protein (p.Gln1327Glu). The frequency data for this variant in the population databases is considered unreliable, as metrics indicate poor data quality at this position in the gnomAD database. This variant has not been reported in the literature in individuals affected with DYNC1H1-related conditions. Advanced modeling of protein sequence and biophysical properties (such as structural, functional, and spatial information, amino acid conservation, physicochemical variation, residue mobility, and thermodynamic stability) performed at Invitae indicates that this missense variant is not expected to disrupt DYNC1H1 protein function with a negative predictive value of 95%. In summary, the available evidence is currently insufficient to determine the role of this variant in disease. Therefore, it has been classified as a Variant of Uncertain Significance.